The following is an entry in ClinVar:

NM_004260.4(RECQL4):c.3454G>C (p.Glu1152Gln)

Gene: RECQL4 (RecQ like helicase 4; minus strand). Cytogenetic location: 8q24.3.
Variant type: single nucleotide variant.
Coding change: c.3454G>C on transcript NM_004260.4 (MANE Select); coding-DNA position 3454, G replaced by C.
Protein change: p.Glu1152Gln; replaces glutamic acid 1152 with glutamine.
Molecular consequence: missense variant.
Genome position (GRCh38, 1-based): chr8:144,511,729, C>G on the plus strand (G>C on the coding strand, the complement: RECQL4 is on the minus strand). VCF-style: chr8-144511729-C-G. GRCh37 (hg19) VCF-style: chr8-145737112-C-G.
Other names: short protein forms E1152Q.
Identifiers: ClinVar variation 1050888 (VCV001050888.5), dbSNP rs1554895824, ClinGen allele CA372667056.

ClinVar aggregate classification (germline): Uncertain significance (1 of 4 stars; one submission).

Conditions:
Baller-Gerold syndrome (BGS). Also called: CRANIOSYNOSTOSIS WITH RADIAL DEFECTS. Identifiers: Orphanet 1225, MedGen C0265308, MONDO:0009039, OMIM 218600.

Allele frequency attached by ClinVar (database versions not stated): gnomAD exomes 0.00001.
gnomAD v4.1: 8 of 1,612,594 alleles (0.0005%); highest among the groups gnomAD compares: Non-Finnish European, 0.00068%; no homozygotes.

Submission:

Labcorp Genetics (formerly Invitae), Labcorp
Classification: Uncertain significance for Baller-Gerold syndrome. Last evaluated: 2022-09-01. Review status: criteria provided, single submitter. Criteria: Invitae Variant Classification Sherloc (09022015). Collection method: clinical testing. Allele origin: germline.
Comment: This variant has not been reported in the literature in individuals affected with RECQL4-related conditions. This variant is not present in population databases (gnomAD no frequency). This sequence change replaces glutamic acid, which is acidic and polar, with glutamine, which is neutral and polar, at codon 1152 of the RECQL4 protein (p.Glu1152Gln). In summary, the available evidence is currently insufficient to determine the role of this variant in disease. Therefore, it has been classified as a Variant of Uncertain Significance. Experimental studies and prediction algorithms are not available or were not evaluated, and the functional significance of this variant is currently unknown. ClinVar contains an entry for this variant (Variation ID: 1050888).